The following is an entry in ClinVar:

NR_163594.1(SSPO):n.3028C>A

Variant type: single nucleotide variant.
Molecular consequence: non-coding transcript variant (on NR_163594.1).
Genome position: GRCh38 VCF-style: chr7-149785513-C-A. GRCh37 (hg19) VCF-style: chr7-149482601-C-A.
Other names: NM_198455.2:c.3017C>A.
Identifiers: ClinVar variation 4990704 (VCV004990704.1).
Genomic context (GRCh38, chr7:149,785,513, plus strand): 5'-GGTGACTCTGTTTCCCCCACCTTGCCCATAGCGTGTGCCGGGGCCGGCAGTGGCACTGCA[C>A]AGGCCAGCGGCGCAGTGGGCGGTGCCAGGCATCAGGCGCCCCCCACTATGTGACATTTGA-3'

ClinVar aggregate classification (germline): Uncertain significance (1 of 4 stars; one submission).

Conditions:
SSPO-related condition.

Submission:

PreventionGenetics, part of Exact Sciences
Classification: Uncertain significance for SSPO-related condition. Last evaluated: 2025-06-16. Review status: criteria provided, single submitter. Criteria: ACMG Guidelines, 2015. Collection method: clinical testing. Allele origin: germline.
Comment: The SSPO c.3017C>A variant is predicted to result in the amino acid substitution p.Thr1006Lys. To our knowledge, this variant has not been reported in the literature. This variant is reported in 0.0031% of alleles in individuals of Latino descent in gnomAD. At this time, the clinical significance of this variant is uncertain due to the absence of conclusive functional and genetic evidence.